The following is an entry in ClinVar:

ClinVar aggregate classification (germline): Uncertain significance (1 of 4 stars; one submission).

Conditions:
Primary ciliary dyskinesia. Also called: Ciliary dyskinesia. Identifiers: Orphanet 244, MedGen C0008780, MONDO:0016575, HP:0012265.

Submission:

Labcorp Genetics (formerly Invitae), Labcorp
Classification: Uncertain significance for Primary ciliary dyskinesia. Last evaluated: 2022-08-23. Review status: criteria provided, single submitter. Criteria: Invitae Variant Classification Sherloc (09022015). Collection method: clinical testing. Allele origin: germline.
Comment: In summary, the available evidence is currently insufficient to determine the role of this variant in disease. Therefore, it has been classified as a Variant of Uncertain Significance. Algorithms developed to predict the effect of missense changes on protein structure and function are either unavailable or do not agree on the potential impact of this missense change (SIFT: "Tolerated"; PolyPhen-2: "Probably Damaging"; Align-GVGD: "Class C0"). ClinVar contains an entry for this variant (Variation ID: 581287). This variant has not been reported in the literature in individuals affected with DNAAF3-related conditions. This variant is not present in population databases (gnomAD no frequency). This sequence change replaces alanine, which is neutral and non-polar, with glycine, which is neutral and non-polar, at codon 195 of the DNAAF3 protein (p.Ala195Gly).

NM_001256715.2(DNAAF3):c.380C>G (p.Ala127Gly)

Genes: DNAAF3 (dynein axonemal assembly factor 3; minus strand), DNAAF3-AS1 (DNAAF3 antisense RNA 1; plus strand). Cytogenetic location: 19q13.42.
Variant type: single nucleotide variant.
Coding change: c.380C>G on transcript NM_001256715.2 (MANE Select); coding-DNA position 380, C replaced by G.
Protein change: p.Ala127Gly; replaces alanine 127 with glycine.
Molecular consequence: missense variant.
Genome position (GRCh38, 1-based): chr19:55,162,233, G>C on the plus strand (C>G on the coding strand, the complement: DNAAF3 is on the minus strand). VCF-style: chr19-55162233-G-C. GRCh37 (hg19) VCF-style: chr19-55673601-G-C.
Other names: c.584C>G, p.Ala195Gly (NM_001256714.1); c.218C>G, p.Ala73Gly (NM_001256716.2); c.521C>G, p.Ala174Gly (NM_178837.4); short protein forms A174G, A195G, A73G, A127G.
Identifiers: ClinVar variation 581287 (VCV000581287.9), dbSNP rs1422887369, ClinGen allele CA407457996.